The following is an entry in ClinVar:

NM_002875.5(RAD51):c.205G>A (p.Ala69Thr)

Gene: RAD51 (RAD51 recombinase; plus strand). Cytogenetic location: 15q15.1.
Variant type: single nucleotide variant.
Coding change: c.205G>A on transcript NM_002875.5 (MANE Select); coding-DNA position 205, G replaced by A.
Protein change: p.Ala69Thr; replaces alanine 69 with threonine.
Molecular consequence: missense variant.
Genome position (GRCh38, 1-based): chr15:40,701,181, G>A. VCF-style: chr15-40701181-G-A. GRCh37 (hg19) VCF-style: chr15-40993379-G-A.
Other names: c.205G>A, p.Ala69Thr (NM_001164269.2, NM_001164270.2, NM_133487.4); short protein forms A69T.
Identifiers: ClinVar variation 2624695 (VCV002624695.2), dbSNP rs143055953, ClinGen allele CA391746555.

ClinVar aggregate classification (germline): Uncertain significance (1 of 4 stars; one submission).

Conditions:
Inborn genetic diseases. Identifiers: MedGen C0950123, MeSH D030342.

Submission:

Ambry Genetics
Classification: Uncertain significance for Inborn genetic diseases. Last evaluated: 2023-08-01. Review status: criteria provided, single submitter. Criteria: Ambry Variant Classification Scheme 2023. Collection method: clinical testing. Allele origin: germline.
Comment: The p.A69T variant (also known as c.205G>A), located in coding exon 2 of the RAD51 gene, results from a G to A substitution at nucleotide position 205. The alanine at codon 69 is replaced by threonine, an amino acid with similar properties. This amino acid position is conserved. In addition, the in silico prediction for this alteration is inconclusive. Since supporting evidence is limited at this time, the clinical significance of this alteration remains unclear.